The following is an entry in ClinVar:

ClinVar aggregate classification (germline): Uncertain significance (1 of 4 stars; one submission).

Submission:

Labcorp Genetics (formerly Invitae), Labcorp
Classification: Uncertain significance. Last evaluated: 2023-12-28. Review status: criteria provided, single submitter. Criteria: Invitae Variant Classification Sherloc (09022015). Collection method: clinical testing. Allele origin: germline.
Comment: This sequence change replaces glutamic acid, which is acidic and polar, with glycine, which is neutral and non-polar, at codon 432 of the MARS2 protein (p.Glu432Gly). This variant is not present in population databases (gnomAD no frequency). This variant has not been reported in the literature in individuals affected with MARS2-related conditions. An algorithm developed to predict the effect of missense changes on protein structure and function (PolyPhen-2) suggests that this variant is likely to be tolerated. In summary, the available evidence is currently insufficient to determine the role of this variant in disease. Therefore, it has been classified as a Variant of Uncertain Significance.

NM_138395.4(MARS2):c.1295A>G (p.Glu432Gly)

Gene: MARS2 (methionyl-tRNA synthetase 2, mitochondrial; plus strand). Cytogenetic location: 2q33.1.
Variant type: single nucleotide variant.
Coding change: c.1295A>G on transcript NM_138395.4 (MANE Select); coding-DNA position 1295, A replaced by G.
Protein change: p.Glu432Gly; replaces glutamic acid 432 with glycine.
Molecular consequence: missense variant.
Genome position (GRCh38, 1-based): chr2:197,706,700, A>G. VCF-style: chr2-197706700-A-G. GRCh37 (hg19) VCF-style: chr2-198571424-A-G.
Other names: short protein forms E432G.
Identifiers: ClinVar variation 2694364 (VCV002694364.3), dbSNP rs2468942069, ClinGen allele CA350214472.